The following is an entry in ClinVar:

ClinVar aggregate classification (germline): Conflicting classifications of pathogenicity. Review status: criteria provided, conflicting classifications (1 of 4 stars). 11 submissions from 11 submitters: Uncertain significance (5); Benign (2); Likely benign (3). 1 of the submissions does not count toward it. Last evaluated 2026-03-01.

Conditions:
COL6A1-related disorder. Also called: COL6A1-related condition.
Collagen 6-related myopathy. Identifiers: MedGen CN117976, MONDO:0100225.
Bethlem myopathy 1A. Also called: MYOPATHY, BENIGN CONGENITAL, WITH CONTRACTURES; Bethlem myopathy 1; Bethlem Muscular Dystrophy. Identifiers: Orphanet 610, MedGen CN029274, MONDO:0024530, OMIM 158810.

Allele frequency attached by ClinVar (database versions not stated): 1000 Genomes Project 30x 0.00016; 1000 Genomes Project 0.00020; ExAC 0.00082; gnomAD exomes 0.00084 and 0.00163; gnomAD 0.00088 and 0.00093; ESP Exome Variant Server 0.00092; TOPMed 0.00099.
gnomAD v4.1: 2,519 of 1,612,824 alleles (0.16%); highest among the groups gnomAD compares: Non-Finnish European, 0.2%; 5 homozygotes.

Submissions (11):

CeGaT Center for Human Genetics Tuebingen
Classification: Likely benign. Last evaluated: 2026-03-01. Review status: criteria provided, single submitter. Criteria: CeGaT Center For Human Genetics Tuebingen Variant Classification Criteria Version 2. Collection method: clinical testing. Allele origin: germline. Affected: yes. Observed: 8 variant alleles.
Comment: COL6A1: BS1

Labcorp Genetics (formerly Invitae), Labcorp
Classification: Likely benign for Bethlem myopathy 1A. Last evaluated: 2026-01-19. Review status: criteria provided, single submitter. Criteria: Invitae Variant Classification Sherloc (09022015). Collection method: clinical testing. Allele origin: germline.

Blueprint Genetics
Classification: Likely benign. Last evaluated: 2024-11-27. Review status: criteria provided, single submitter. Criteria: ACMG Guidelines, 2015. Collection method: clinical testing. Allele origin: germline.

Mayo Clinic Laboratories, Mayo Clinic
Classification: Benign. Last evaluated: 2024-02-20. Review status: criteria provided, single submitter. Criteria: ACMG Guidelines, 2015. Collection method: clinical testing. Allele origin: germline. Observed: 2 variant alleles.
Comment: BS1, BS2

Illumina Laboratory Services, Illumina
Classification: Benign for Collagen VI-related myopathy. Last evaluated: 2018-01-13. Review status: criteria provided, single submitter. Criteria: ICSL Variant Classification Criteria 13 December 2019. Collection method: clinical testing. Allele origin: germline.
Comment: This variant was observed in the ICSL laboratory as part of a predisposition screen in an ostensibly healthy population. It had not been previously curated by ICSL or reported in the Human Gene Mutation Database (HGMD: prior to June 1st, 2018), and was therefore a candidate for classification through an automated scoring system. Utilizing variant allele frequency, disease prevalence and penetrance estimates, and inheritance mode, an automated score was calculated to assess if this variant is too frequent to cause the disease. Based on the score and internal cut-off values, a variant classified as benign is not then subjected to further curation. The score for this variant resulted in a classification of benign for this disease.

Eurofins Ntd Llc (ga)
Classification: Uncertain significance. Last evaluated: 2018-01-11. Review status: criteria provided, single submitter. Criteria: EGL Classification Definitions 2015. Collection method: clinical testing. Allele origin: germline. Observed: 17 variant alleles, 17 heterozygotes.

GeneDx
Classification: Uncertain significance. Last evaluated: 2017-04-18. Review status: criteria provided, single submitter. Criteria: GeneDx Variant Classification (06012015). Collection method: clinical testing. Allele origin: germline. Affected: yes.
Comment: A variant of uncertain significance has been identified in the COL6A1 gene. The A57D variant has not been published as a pathogenic variant, nor has it been reported as a benign variant to our knowledge. The A57D variant is observed in 89/65534 (0.1%) alleles from individuals of European non-Finnish background (Lek et al., 2016; 1000 Genomes Consortium et al., 2015; Exome Variant Server). The A57D variant is a non-conservative amino acid substitution, which is likely to impact secondary protein structure as these residues differ in polarity, charge, size and/or other properties. However, this substitution occurs at a position that is not conserved. In silico analysis is inconsistent in its predictions as to whether or not the variant is damaging to the protein structure/function. Therefore, based on the currently available information, it is unclear whether this variant is a pathogenic variant or a rare benign variant.

Athena Diagnostics
Classification: Uncertain significance. Last evaluated: 2017-03-14. Review status: criteria provided, single submitter. Criteria: Athena Diagnostics Criteria. Collection method: clinical testing. Allele origin: germline.

Genetic Services Laboratory, University of Chicago
Classification: Uncertain significance. Last evaluated: 2016-07-01. Review status: criteria provided, single submitter. Criteria: ACMG Guidelines, 2015. Collection method: clinical testing. Allele origin: germline. Affected: no.

Genomic Diagnostic Laboratory, Division of Genomic Diagnostics, Children's Hospital of Philadelphia
Classification: Uncertain significance. Last evaluated: 2015-06-18. Review status: criteria provided, single submitter. Criteria: DGD Variant Analysis Guidelines. Collection method: clinical testing. Allele origin: unknown.

PreventionGenetics, part of Exact Sciences
Classification: Likely benign for COL6A1-related condition. Last evaluated: 2023-01-04. Review status: no assertion criteria provided. Collection method: clinical testing. Allele origin: germline. Not counted in ClinVar's aggregate classification.
Comment: This variant is classified as likely benign based on ACMG/AMP sequence variant interpretation guidelines (Richards et al. 2015 PMID: 25741868, with internal and published modifications).

Literature cited by the submitters: PubMed 30564623 (cited by Mayo Clinic Laboratories, Mayo Clinic).

NM_001848.3(COL6A1):c.170C>A (p.Ala57Asp)

Gene: COL6A1 (collagen type VI alpha 1 chain; plus strand). Cytogenetic location: 21q22.3.
Variant type: single nucleotide variant.
Coding change: c.170C>A on transcript NM_001848.3 (MANE Select); coding-DNA position 170, C replaced by A.
Protein change: p.Ala57Asp; replaces alanine 57 with aspartic acid.
Molecular consequence: missense variant.
Genome position (GRCh38, 1-based): chr21:45,982,706, C>A. VCF-style: chr21-45982706-C-A. GRCh37 (hg19) VCF-style: chr21-47402620-C-A.
Other names: short protein forms A57D.
Identifiers: ClinVar variation 195151 (VCV000195151.52), dbSNP rs143502850, ClinGen allele CA241439.
Genomic context (GRCh38, chr21:45,982,706, plus strand): 5'-ACCTGTTCTTTGTGCTGGACACCTCTGAGAGCGTGGCCCTGAGGCTGAAGCCCTACGGGG[C>A]CCTCGTGGACAAAGTCAAGTCCTTCACCAAGCGCTTCATCGACAACCTGAGGGACAGGTA-3'
Protein context (NP_001839.2, residues 47-67): SVALRLKPYG[Ala57Asp]LVDKVKSFTK